The following is an entry in ClinVar:

ClinVar aggregate classification (germline): Likely pathogenic (1 of 4 stars; one submission).

Conditions:
Hereditary cancer-predisposing syndrome. Also called: Tumor predisposition; Neoplastic Syndromes, Hereditary; Hereditary neoplastic syndrome; Hereditary Cancer Syndrome. Identifiers: Orphanet 140162, MedGen C0027672, MeSH D009386, MONDO:0015356.

Submission:

Molecular Diagnostics Laboratory, Catalan Institute of Oncology
Classification: Likely pathogenic for Hereditary cancer-predisposing syndrome. Last evaluated: 2025-05-20. Review status: criteria provided, single submitter. Criteria: ClinGen CRC ACMG Specifications MSH6 V1.0.0. Collection method: clinical testing. Allele origin: germline.
Comment: PVS1, PM2_Supporting c.1893dup, located in exon 4 of the MSH6 gene, consists in the duplication of 1 nucleotide, causing a translational frameshift with a predicted alternate stop codon, p.(Lys632Glnfs*8). This alteration is expected to result in loss of function by premature protein truncation and nonsense-mediated mRNA decay (PVS1). No effect is predicted on splicing by computational tools. It is not present in the population database gnomAD v4.1.0, non-cancer dataset (PM2_Supporting). To our knowledge, functional studies have not been reported for this variant. In addition, it was identified in the ClinVar database (2x pathogenic) but it has not been identified neither in LOVD nor InSiGHT databases. Based on currently available information, the variant c.1893dup is classified as a likely pathogenic variant according to to ClinGen-CRC_ACMG_Specifications_MSH6_v1.0.0.

NM_000179.3(MSH6):c.1893dup (p.Lys632fs)

Gene: MSH6 (mutS homolog 6; plus strand). Cytogenetic location: 2p16.3.
Variant type: Duplication.
Coding change: c.1893dup on transcript NM_000179.3 (MANE Select); coding-DNA position 1893, one base duplicated (C; older notation c.1893dupC).
Protein change: p.Lys632fs; shifts the reading frame from lysine 632.
Molecular consequence: frameshift variant. On other transcripts: non-coding transcript variant (5), intron variant (2).
Genome position (GRCh38, 1-based): chr2:47,799,876, C duplicated; the last of 2 consecutive C bases (chr2:47,799,875-47,799,876); duplicating either gives the same sequence. VCF-style (leftmost placement, unchanged base first): chr2-47799874-T-TC. GRCh37 (hg19) VCF-style: chr2-48027013-T-TC.
Other names: c.1503dup, p.Lys502fs (NM_001281492.2); c.987dup, p.Lys330fs (NM_001281493.2, NM_001281494.2, NM_001406811.1 and 6 more transcripts); c.1989dup, p.Lys664fs (NM_001406795.1, NM_001406802.1); c.1893dup, p.Lys632fs (NM_001406796.1, NM_001406798.1, NM_001406800.1 and 3 more transcripts); c.1596dup, p.Lys533fs (NM_001406797.1, NM_001406801.1, NM_001406805.1 and 10 more transcripts); c.1368dup, p.Lys457fs (NM_001406799.1, NM_001406806.1, NM_001406807.1); c.1815dup, p.Lys606fs (NM_001406804.1); c.1899dup, p.Lys634fs (NM_001406813.1); and 3 more; short protein forms K330fs, K457fs, K502fs, K533fs, K576fs, K606fs, K632fs, K634fs.
Identifiers: ClinVar variation 4082312 (VCV004082312.1).